The following is an entry in ClinVar:

NM_002880.4(RAF1):c.889C>T (p.Pro297Ser)

Gene: RAF1 (Raf-1 proto-oncogene, serine/threonine kinase; minus strand). Cytogenetic location: 3p25.2.
Variant type: single nucleotide variant.
Coding change: c.889C>T on transcript NM_002880.4 (MANE Select); coding-DNA position 889, C replaced by T.
Protein change: p.Pro297Ser; replaces proline 297 with serine.
Molecular consequence: missense variant. On other transcripts: non-coding transcript variant (3).
Genome position (GRCh38, 1-based): chr3:12,600,253, G>A on the plus strand (C>T on the coding strand, the complement: RAF1 is on the minus strand). VCF-style: chr3-12600253-G-A. GRCh37 (hg19) VCF-style: chr3-12641752-G-A.
Other names: c.949C>T, p.Pro317Ser (NM_001354689.3); c.889C>T, p.Pro297Ser (NM_001354690.3); c.646C>T, p.Pro216Ser (NM_001354691.3, NM_001354692.3); c.790C>T, p.Pro264Ser (NM_001354693.3); c.706C>T, p.Pro236Ser (NM_001354694.3); c.547C>T, p.Pro183Ser (NM_001354695.3); short protein forms P297S, P317S, P236S, P183S, P264S, P216S.
Identifiers: ClinVar variation 3635603 (VCV003635603.2).

ClinVar aggregate classification (germline): Uncertain significance (1 of 4 stars; one submission).

Conditions:
RASopathy. Also called: Noonan spectrum disorder; rasopathies. Identifiers: Orphanet 536391, MedGen C5555857, MONDO:0021060.

Submission:

Labcorp Genetics (formerly Invitae), Labcorp
Classification: Uncertain significance for RASopathy. Last evaluated: 2024-12-12. Review status: criteria provided, single submitter. Criteria: Invitae Variant Classification Sherloc (09022015). Collection method: clinical testing. Allele origin: germline.
Comment: This sequence change replaces proline, which is neutral and non-polar, with serine, which is neutral and polar, at codon 297 of the RAF1 protein (p.Pro297Ser). This variant is not present in population databases (gnomAD no frequency). This variant has not been reported in the literature in individuals affected with RAF1-related conditions. Invitae Evidence Modeling incorporating data from in vitro experimental studies (internal data) indicates that this missense variant is not expected to disrupt RAF1 function with a negative predictive value of 95%. In summary, the available evidence is currently insufficient to determine the role of this variant in disease. Therefore, it has been classified as a Variant of Uncertain Significance.